The following is an entry in ClinVar:

ClinVar aggregate classification (germline): Likely benign. Review status: criteria provided, multiple submitters, no conflicts (2 of 4 stars). 3 submissions from 3 submitters: Likely benign (3). Last evaluated 2024-06-19.

Conditions:
Cardiovascular phenotype. Identifiers: MedGen CN230736.
Dilated cardiomyopathy 1G (CMD1G). Identifiers: Orphanet 154, MedGen C1858763, MONDO:0011400, OMIM 604145.
Autosomal recessive limb-girdle muscular dystrophy type 2J (LGMDR10). Also called: Limb-girdle muscular dystrophy, type 2J; MUSCULAR DYSTROPHY, LIMB-GIRDLE, AUTOSOMAL RECESSIVE 10. Identifiers: Orphanet 140922, MedGen C1837342, MONDO:0012127, OMIM 608807.

Allele frequency attached by ClinVar (database versions not stated): gnomAD exomes below 0.00001 and 0.00001; gnomAD 0.00001; ExAC 0.00002.
gnomAD v4.1: 4 of 1,509,068 alleles (0.00027%); highest among the groups gnomAD compares: Non-Finnish European, 0.00035%; no homozygotes.

Submissions (3):

Labcorp Genetics (formerly Invitae), Labcorp
Classification: Likely benign for Dilated cardiomyopathy 1G; Autosomal recessive limb-girdle muscular dystrophy type 2J. Last evaluated: 2024-06-19. Review status: criteria provided, single submitter. Criteria: Invitae Variant Classification Sherloc (09022015). Collection method: clinical testing. Allele origin: germline.

Ambry Genetics
Classification: Likely benign for Cardiovascular phenotype. Last evaluated: 2019-06-21. Review status: criteria provided, single submitter. Criteria: Ambry Variant Classification Scheme 2023. Collection method: clinical testing. Allele origin: germline.

Laboratory for Molecular Medicine, Mass General Brigham Personalized Medicine
Classification: Likely benign. Last evaluated: 2013-06-05. Review status: criteria provided, single submitter. Criteria: LMM Criteria. Collection method: clinical testing. Allele origin: germline. Observed: 1 variant allele.
Comment: Val14798Val in exon 222 of TTN: This variant is not expected to have clinical si gnificance because it does not alter an amino acid residue and is not located wi thin the splice consensus sequence. Val14798Val in exon 222 of TTN (allele fre quency = n/a)

NM_001267550.2(TTN):c.52098G>A (p.Val17366=)

Genes: TTN-AS1 (TTN antisense RNA 1; plus strand), TTN (titin; minus strand). Cytogenetic location: 2q31.2.
Variant type: single nucleotide variant.
Coding change: c.52098G>A on transcript NM_001267550.2 (MANE Select); coding-DNA position 52098, G replaced by A.
Protein change: p.Val17366=; no amino-acid change (valine 17366 retained).
Molecular consequence: synonymous variant.
Genome position (GRCh38, 1-based): chr2:178,609,212, C>T on the plus strand (G>A on the coding strand, the complement: TTN is on the minus strand). VCF-style: chr2-178609212-C-T. GRCh37 (hg19) VCF-style: chr2-179473939-C-T.
Other names: c.44394G>A, p.Val14798= (NM_133378.4); c.47175G>A, p.Val15725= (NM_001256850.1); c.24903G>A, p.Val8301= (NM_003319.4); c.25278G>A, p.Val8426= (NM_133432.3); c.25479G>A, p.Val8493= (NM_133437.4).
Identifiers: ClinVar variation 165998 (VCV000165998.16), dbSNP rs727503617, ClinGen allele CA178791.